The following is an entry in ClinVar:

NM_178526.5(SLC25A42):c.677C>T (p.Pro226Leu)

Genes: SLC25A42 (solute carrier family 25 member 42; plus strand), LOC130064046 (ATAC-STARR-seq lymphoblastoid silent region 10431; plus strand). Cytogenetic location: 19p13.11.
Variant type: single nucleotide variant.
Coding change: c.677C>T on transcript NM_178526.5 (MANE Select); coding-DNA position 677, C replaced by T.
Protein change: p.Pro226Leu; replaces proline 226 with leucine.
Molecular consequence: missense variant.
Genome position (GRCh38, 1-based): chr19:19,110,596, C>T. VCF-style: chr19-19110596-C-T. GRCh37 (hg19) VCF-style: chr19-19221405-C-T.
Other names: c.677C>T, p.Pro226Leu (NM_001321544.2); short protein forms P226L.
Identifiers: ClinVar variation 2179903 (VCV002179903.4), dbSNP rs759920889, ClinGen allele CA404897461.

ClinVar aggregate classification (germline): Uncertain significance (1 of 4 stars; one submission).

Allele frequency attached by ClinVar (database versions not stated): gnomAD 0.00001; TOPMed 0.00001.
gnomAD v4.1: 24 of 1,481,772 alleles (0.0016%); highest among the groups gnomAD compares: Non-Finnish European, 0.0021%; no homozygotes.

Submission:

Labcorp Genetics (formerly Invitae), Labcorp
Classification: Uncertain significance. Last evaluated: 2022-07-26. Review status: criteria provided, single submitter. Criteria: Invitae Variant Classification Sherloc (09022015). Collection method: clinical testing. Allele origin: germline.
Comment: In summary, the available evidence is currently insufficient to determine the role of this variant in disease. Therefore, it has been classified as a Variant of Uncertain Significance. Algorithms developed to predict the effect of missense changes on protein structure and function are either unavailable or do not agree on the potential impact of this missense change (SIFT: "Deleterious"; PolyPhen-2: "Probably Damaging"; Align-GVGD: "Class C15"). This variant has not been reported in the literature in individuals affected with SLC25A42-related conditions. This variant is not present in population databases (gnomAD no frequency). This sequence change replaces proline, which is neutral and non-polar, with leucine, which is neutral and non-polar, at codon 226 of the SLC25A42 protein (p.Pro226Leu).